The following is an entry in ClinVar:

NM_201384.3(PLEC):c.13287C>T (p.Gly4429=)

Gene: PLEC (plectin; minus strand). Cytogenetic location: 8q24.3.
Variant type: single nucleotide variant.
Coding change: c.13287C>T on transcript NM_201384.3 (MANE Select); coding-DNA position 13287, C replaced by T.
Protein change: p.Gly4429=; no amino-acid change (glycine 4429 retained).
Molecular consequence: synonymous variant.
Genome position (GRCh38, 1-based): chr8:143,916,534, G>A on the plus strand (C>T on the coding strand, the complement: PLEC is on the minus strand). VCF-style: chr8-143916534-G-A. GRCh37 (hg19) VCF-style: chr8-144990702-G-A.
Other names: c.13368C>T (NM_000445.4); c.13368C>T, p.Gly4456= (NM_000445.5); c.9987C>T, p.Gly3329= (NM_001410941.1); c.13245C>T, p.Gly4415= (NM_201378.4); c.13221C>T, p.Gly4407= (NM_201379.3); c.13698C>T, p.Gly4566= (NM_201380.4); c.13191C>T, p.Gly4397= (NM_201381.3); c.13287C>T, p.Gly4429= (NM_201382.4); and 1 more.
Identifiers: ClinVar variation 2923133 (VCV002923133.4), dbSNP rs782581005, ClinGen allele CA463525672.

ClinVar aggregate classification (germline): Likely benign. Review status: criteria provided, multiple submitters, no conflicts (2 of 4 stars). 2 submissions from 2 submitters: Likely benign (2). Last evaluated 2026-07-21.

Conditions:
PLEC-related disorder. Also called: PLEC-related condition; PLEC-related disorders.
Epidermolysis bullosa simplex, Ogna type (EBS5A). Also called: Pidermolysis bullosa simplex 5A, Ogna type; EPIDERMOLYSIS BULLOSA SIMPLEX 5A, OGNA TYPE. Identifiers: Orphanet 79401, MedGen C0432317, MONDO:0007555, OMIM 131950.
Autosomal recessive limb-girdle muscular dystrophy type 2Q (LGMDR17). Also called: MUSCULAR DYSTROPHY, LIMB-GIRDLE, AUTOSOMAL RECESSIVE 17. Identifiers: Orphanet 254361, MedGen C3150989, MONDO:0013390, OMIM 613723.
Epidermolysis bullosa simplex with nail dystrophy (EBS5D). Identifiers: MedGen C4225309, MONDO:0014661, OMIM 616487.
Epidermolysis bullosa simplex 5C, with pyloric atresia (EBS5C). Also called: PLEC-Related Epidermolysis Bullosa with Pyloric Atresia; Epidermolysis bullosa simplex with pyloric atresia; PLEC1-Related Epidermolysis Bullosa with Pyloric Atresia. Identifiers: Orphanet 158684, MedGen C2677349, MONDO:0012807, OMIM 612138.
Epidermolysis bullosa simplex 5B, with muscular dystrophy (EBS5B). Also called: Epidermolysis bullosa simplex with muscular dystrophy; EPIDERMOLYSIS BULLOSA SIMPLEX AND LIMB-GIRDLE MUSCULAR DYSTROPHY. Identifiers: Orphanet 257, MedGen C2931072, MONDO:0009181, OMIM 226670.

gnomAD v4.1: 19 of 1,611,640 alleles (0.0012%); highest among the groups gnomAD compares: East Asian, 0.0045%; no homozygotes.

Submissions (2):

PreventionGenetics, part of Exact Sciences
Classification: Likely benign for PLEC-related condition. Last evaluated: 2026-07-21. Review status: criteria provided, single submitter. Criteria: ACMG Guidelines, 2015. Collection method: clinical testing. Allele origin: germline.
Comment: This variant is classified as likely benign based on ACMG/AMP sequence variant interpretation guidelines (Richards et al. 2015 PMID: 25741868, with internal and published modifications).

Labcorp Genetics (formerly Invitae), Labcorp
Classification: Likely benign for Autosomal recessive limb-girdle muscular dystrophy type 2Q; Epidermolysis bullosa simplex, Ogna type; Epidermolysis bullosa simplex with nail dystrophy; Epidermolysis bullosa simplex 5C, with pyloric atresia; Epidermolysis bullosa simplex 5B, with muscular dystrophy. Last evaluated: 2022-12-04. Review status: criteria provided, single submitter. Criteria: Invitae Variant Classification Sherloc (09022015). Collection method: clinical testing. Allele origin: germline.